The following is an entry in ClinVar:

NM_001009944.3(PKD1):c.5739C>T (p.Ala1913=)

Gene: PKD1 (polycystin 1, transient receptor potential channel interacting; minus strand). Cytogenetic location: 16p13.3.
Variant type: single nucleotide variant.
Coding change: c.5739C>T on transcript NM_001009944.3 (MANE Select); coding-DNA position 5739, C replaced by T.
Protein change: p.Ala1913=; no amino-acid change (alanine 1913 retained).
Molecular consequence: synonymous variant.
Genome position (GRCh38, 1-based): chr16:2,109,428, G>A on the plus strand (C>T on the coding strand, the complement: PKD1 is on the minus strand). VCF-style: chr16-2109428-G-A. GRCh37 (hg19) VCF-style: chr16-2159429-G-A.
Other names: c.5739C>T, p.Ala1913= (NM_000296.4).
Identifiers: ClinVar variation 3055159 (VCV003055159.2), dbSNP rs753873060, ClinGen allele CA7831877.
Genomic context (GRCh38, chr16:2,109,428, plus strand): 5'-CCCGGGGAGCACCTCGGGGTTGGCCCCGCCGACCTGCAGGCGGAAGGTGACAGCTGAGCC[G>A]GCAGCCAGCAGGATCTGAAAATGGACCAGCTGCCCGGGCGCCACCACCTTGCTGCTGGCC-3'
Protein context (NP_001009944.3, residues 1903-1923): QLVHFQILLA[Ala1913=]GSAVTFRLQV

ClinVar aggregate classification (germline): Likely benign (0 of 4 stars; one submission).

Conditions:
PKD1-related disorder. Also called: PKD1-related condition.

Allele frequency attached by ClinVar (database versions not stated): ExAC 0.00006; gnomAD 0.00014; TOPMed 0.00023.
gnomAD v4.1: 59 of 1,603,858 alleles (0.0037%); highest among the groups gnomAD compares: African/African-American, 0.039%; no homozygotes.

Submission:

PreventionGenetics, part of Exact Sciences
Classification: Likely benign for PKD1-related condition. Last evaluated: 2020-12-08. Review status: no assertion criteria provided. Collection method: clinical testing. Allele origin: germline.
Comment: This variant is classified as likely benign based on ACMG/AMP sequence variant interpretation guidelines (Richards et al. 2015 PMID: 25741868, with internal and published modifications).